The following is an entry in ClinVar:

ClinVar aggregate classification (germline): Pathogenic (1 of 4 stars; one submission).

Submission:

Labcorp Genetics (formerly Invitae), Labcorp
Classification: Pathogenic. Last evaluated: 2022-06-14. Review status: criteria provided, single submitter. Criteria: Invitae Variant Classification Sherloc (09022015). Collection method: clinical testing. Allele origin: germline.
Comment: This variant is not present in population databases (gnomAD no frequency). This variant has not been reported in the literature in individuals affected with MYO15A-related conditions. For these reasons, this variant has been classified as Pathogenic. This sequence change creates a premature translational stop signal (p.Ala2119Glyfs*4) in the MYO15A gene. It is expected to result in an absent or disrupted protein product. Loss-of-function variants in MYO15A are known to be pathogenic (PMID: 17546645).

Literature cited by the submitters: PubMed 17546645.

NM_016239.4(MYO15A):c.6353dup (p.Ala2119fs)

Gene: MYO15A (myosin XVA; plus strand). Cytogenetic location: 17p11.2.
Variant type: Duplication.
Coding change: c.6353dup on transcript NM_016239.4 (MANE Select); coding-DNA position 6353, one base duplicated (T; older notation c.6353dupT).
Protein change: p.Ala2119fs; shifts the reading frame from alanine 2119.
Molecular consequence: frameshift variant.
Genome position (GRCh38, 1-based): chr17:18,145,951, T duplicated. VCF-style (leftmost placement, unchanged base first): chr17-18145950-C-CT. GRCh37 (hg19) VCF-style: chr17-18049264-C-CT.
Other names: short protein forms A2119fs.
Identifiers: ClinVar variation 2134464 (VCV002134464.4), dbSNP rs2545271954, ClinGen allele CA2580092659.